The following is an entry in ClinVar:

NM_006231.4(POLE):c.3145C>G (p.Gln1049Glu)

Gene: POLE (DNA polymerase epsilon, catalytic subunit; minus strand). Cytogenetic location: 12q24.33.
Variant type: single nucleotide variant.
Coding change: c.3145C>G on transcript NM_006231.4 (MANE Select); coding-DNA position 3145, C replaced by G.
Protein change: p.Gln1049Glu; replaces glutamine 1049 with glutamic acid.
Molecular consequence: missense variant.
Genome position (GRCh38, 1-based): chr12:132,659,425, G>C on the plus strand (C>G on the coding strand, the complement: POLE is on the minus strand). VCF-style: chr12-132659425-G-C. GRCh37 (hg19) VCF-style: chr12-133236011-G-C.
Other names: short protein forms Q1049E.
Identifiers: ClinVar variation 2084298 (VCV002084298.4), dbSNP rs2138677202, ClinGen allele CA387390969.

ClinVar aggregate classification (germline): Uncertain significance (1 of 4 stars; one submission).

Submission:

Labcorp Genetics (formerly Invitae), Labcorp
Classification: Uncertain significance. Last evaluated: 2022-01-15. Review status: criteria provided, single submitter. Criteria: Invitae Variant Classification Sherloc (09022015). Collection method: clinical testing. Allele origin: germline.
Comment: This sequence change replaces glutamine, which is neutral and polar, with glutamic acid, which is acidic and polar, at codon 1049 of the POLE protein (p.Gln1049Glu). In summary, the available evidence is currently insufficient to determine the role of this variant in disease. Therefore, it has been classified as a Variant of Uncertain Significance. Algorithms developed to predict the effect of missense changes on protein structure and function (SIFT, PolyPhen-2, Align-GVGD) all suggest that this variant is likely to be disruptive. This variant has not been reported in the literature in individuals affected with POLE-related conditions. This variant is not present in population databases (gnomAD no frequency).